The following is an entry in ClinVar:

NM_001277115.2(DNAH11):c.12507+1G>C

Gene: DNAH11 (dynein axonemal heavy chain 11; plus strand). Cytogenetic location: 7p15.3.
Variant type: single nucleotide variant.
Coding change: c.12507+1G>C on transcript NM_001277115.2 (MANE Select); the canonical splice donor site of the intron after coding-DNA position 12507, G replaced by C.
Molecular consequence: splice donor variant.
Genome position (GRCh38, 1-based): chr7:21,884,411, G>C. VCF-style: chr7-21884411-G-C. GRCh37 (hg19) VCF-style: chr7-21924029-G-C.
Other names: NM_001277115.2:c.12507+1G>C.
Identifiers: ClinVar variation 3776947 (VCV003776947.1).

ClinVar aggregate classification (germline): Pathogenic (1 of 4 stars; one submission).

Conditions:
Primary ciliary dyskinesia 7. Also called: CILIARY DYSKINESIA, PRIMARY, 7, WITH OR WITHOUT SITUS INVERSUS. Identifiers: Orphanet 244, MedGen C2678473, MONDO:0012748, OMIM 611884.

Submission:

Broad Center for Mendelian Genomics, Broad Institute of MIT and Harvard
Classification: Pathogenic for Primary ciliary dyskinesia 7. Last evaluated: 2025-02-20. Review status: criteria provided, single submitter. Criteria: ACMG Guidelines, 2015. Collection method: curation. Allele origin: germline. Inheritance: Autosomal recessive inheritance.
Comment: The c.12507+1G>C variant in DNAH11 has been reported, in the compound heterozygous state, in 1 individual with primary ciliary dyskinesia (PMID: 32253119), and has been identified in 0.002% (1/63652) of European (Finnish) chromosomes by the Genome Aggregation Database (gnomAD; dbSNP ID: rs1784044910). Although this variant has been seen in the general population in a heterozygous state, its frequency is low enough to be consistent with a recessive carrier frequency. This variant is located in the 3' splice region. Computational tools predict a splicing impact, though this information is not predictive enough to determine pathogenicity. Loss of function of the DNAH11 gene is an established disease mechanism in autosomal recessive primary ciliary dyskinesia. In summary, this variant meets criteria to be classified as pathogenic for autosomal recessive primary ciliary dyskinesia. ACMG/AMP Criteria applied: PVS1, PM2_supporting, PM3 (Richards 2015).